The following is an entry in ClinVar:

NM_016955.4(SEPSECS):c.1022G>A (p.Arg341Lys)

Gene: SEPSECS (Sep (O-phosphoserine) tRNA:Sec (selenocysteine) tRNA synthase; minus strand). Cytogenetic location: 4p15.2.
Variant type: single nucleotide variant.
Coding change: c.1022G>A on transcript NM_016955.4 (MANE Select); coding-DNA position 1022, G replaced by A.
Protein change: p.Arg341Lys; replaces arginine 341 with lysine.
Molecular consequence: missense variant.
Genome position (GRCh38, 1-based): chr4:25,144,778, C>T on the plus strand (G>A on the coding strand, the complement: SEPSECS is on the minus strand). VCF-style: chr4-25144778-C-T. GRCh37 (hg19) VCF-style: chr4-25146400-C-T.
Other names: short protein forms R341K.
Identifiers: ClinVar variation 423999 (VCV000423999.3), dbSNP rs1064796736, ClinGen allele CA16618041.

ClinVar aggregate classification (germline): Uncertain significance. Review status: criteria provided, single submitter (1 of 4 stars). 2 submissions from 2 submitters: Uncertain significance (1). 1 of the submissions does not count toward it. Last evaluated 2017-03-08.

Conditions:
Pontocerebellar hypoplasia type 2D (PCH2D). Also called: Progressive cerebello-cerebral atrophy. Identifiers: Orphanet 247198, Orphanet 2524, MedGen C3151140, MONDO:0013438, OMIM 613811.

Allele frequency attached by ClinVar (database versions not stated): gnomAD exomes below 0.00001; TOPMed 0.00001.
gnomAD v4.1: 2 of 1,602,894 alleles (0.00012%); highest among the groups gnomAD compares: East Asian, 0.0022%; no homozygotes.

Submissions (2):

GeneDx
Classification: Uncertain significance. Last evaluated: 2017-03-08. Review status: criteria provided, single submitter. Criteria: GeneDx Variant Classification (06012015). Collection method: clinical testing. Allele origin: germline. Affected: yes.
Comment: The R341K variant in the SEPSECS gene has not been reported previously as a pathogenic variant, nor as a benign variant, to our knowledge. The R341K variant is not observed in large population cohorts (Lek et al., 2016; 1000 Genomes Consortium et al., 2015; Exome Variant Server). The R341K variant is a conservative amino acid substitution, which is not likely to impact secondary protein structure as these residues share similar properties. However, this substitution occurs at a position that is conserved across species, and in silico analysis predicts this variant is probably damaging to the protein structure/function. We interpret R341K as a variant of uncertain significance.

Natera, Inc.
Classification: Uncertain significance for Pontocerebellar hypoplasia type 2d. Last evaluated: 2021-02-18. Review status: no assertion criteria provided. Collection method: clinical testing. Allele origin: germline. Not counted in ClinVar's aggregate classification.